The following is an entry in ClinVar:

NM_001009944.3(PKD1):c.11195T>C (p.Leu3732Pro)

Genes: PKD1 (polycystin 1, transient receptor potential channel interacting; minus strand), PKD1-AS1 (PKD1 antisense RNA 1; plus strand). Cytogenetic location: 16p13.3.
Variant type: single nucleotide variant.
Coding change: c.11195T>C on transcript NM_001009944.3 (MANE Select); coding-DNA position 11195, T replaced by C.
Protein change: p.Leu3732Pro; replaces leucine 3732 with proline.
Molecular consequence: missense variant.
Genome position (GRCh38, 1-based): chr16:2,092,554, A>G on the plus strand (T>C on the coding strand, the complement: PKD1 is on the minus strand). VCF-style: chr16-2092554-A-G. GRCh37 (hg19) VCF-style: chr16-2142555-A-G.
Other names: c.11192T>C, p.Leu3731Pro (NM_000296.4); short protein forms L3731P, L3732P.
Identifiers: ClinVar variation 3780155 (VCV003780155.2).

ClinVar aggregate classification (germline): Uncertain significance. Review status: criteria provided, multiple submitters, no conflicts (2 of 4 stars). 2 submissions from 2 submitters: Uncertain significance (2). Last evaluated 2026-07-01.

Conditions:
Polycystic kidney disease, adult type (PKD1). Also called: Polycystic Kidney Disease 1, Autosomal Dominant; Polycystic kidney disease 1; Polycystic kidney disease 1, severe; POLYCYSTIC KIDNEY DISEASE 1 WITH OR WITHOUT POLYCYSTIC LIVER DISEASE; POLYCYSTIC KIDNEY DISEASE, ADULT, TYPE I; Polycystic Kidney, Autosomal Dominant. Identifiers: MedGen C3149841, MONDO:0008263, OMIM 173900.

Submissions (2):

CeGaT Center for Human Genetics Tuebingen
Classification: Uncertain significance. Last evaluated: 2026-07-01. Review status: criteria provided, single submitter. Criteria: CeGaT Center For Human Genetics Tuebingen Variant Classification Criteria Version 2. Collection method: clinical testing. Allele origin: germline. Affected: yes. Observed: 1 variant allele.
Comment: PKD1: PM2

Department of Pathology and Laboratory Medicine, Sinai Health System
Classification: Uncertain significance for Polycystic kidney disease, adult type. Last evaluated: 2019-12-12. Review status: criteria provided, single submitter. Criteria: ACMG Guidelines, 2015. Collection method: clinical testing. Allele origin: germline. Affected: yes.